The following is an entry in ClinVar:

NM_000181.4(GUSB):c.1065C>T (p.Asp355=)

Gene: GUSB (glucuronidase beta; minus strand). Cytogenetic location: 7q11.21.
Variant type: single nucleotide variant.
Coding change: c.1065C>T on transcript NM_000181.4 (MANE Select); coding-DNA position 1065, C replaced by T.
Protein change: p.Asp355=; no amino-acid change (aspartic acid 355 retained).
Molecular consequence: synonymous variant. On other transcripts: non-coding transcript variant (1).
Genome position (GRCh38, 1-based): chr7:65,974,919, G>A on the plus strand (C>T on the coding strand, the complement: GUSB is on the minus strand). VCF-style: chr7-65974919-G-A. GRCh37 (hg19) VCF-style: chr7-65439906-G-A.
Other names: c.627C>T, p.Asp209= (NM_001284290.2); c.495C>T, p.Asp165= (NM_001293104.2); c.408C>T, p.Asp136= (NM_001293105.2).
Identifiers: ClinVar variation 848410 (VCV000848410.7), dbSNP rs758070679, ClinGen allele CA4276415.
Genomic context (GRCh38, chr7:65,974,919, plus strand): 5'-AGGCGAAAGTGGAGGGTGACCAGAAGCAGCCCCGACAAGGACCCAGGAGCCCCAACACAC[G>A]TCCGCATCCTCATGCTTGTTGACACCGTGGAAATAGAAAGGTTTCCCATTGATGAGGAAC-3'
Protein context (NP_000172.2, residues 345-365): FHGVNKHEDA[Asp355=]IRGKGFDWPL

ClinVar aggregate classification (germline): Uncertain significance (1 of 4 stars; one submission).

Conditions:
Mucopolysaccharidosis type 7 (MPS7). Also called: MPS VII; SLY SYNDROME; BETA-GLUCURONIDASE DEFICIENCY; GUSB DEFICIENCY. Identifiers: Orphanet 584, MedGen C0085132, MONDO:0009662, OMIM 253220.

Allele frequency attached by ClinVar (database versions not stated): TOPMed 0.00003; gnomAD exomes 0.00005 and 0.00013; gnomAD 0.00006; ExAC 0.00012.
gnomAD v4.1: 80 of 1,613,384 alleles (0.005%); highest among the groups gnomAD compares: South Asian, 0.0066%; no homozygotes.

Submission:

Labcorp Genetics (formerly Invitae), Labcorp
Classification: Uncertain significance for Mucopolysaccharidosis type 7. Last evaluated: 2021-09-30. Review status: criteria provided, single submitter. Criteria: Invitae Variant Classification Sherloc (09022015). Collection method: clinical testing. Allele origin: germline.
Comment: This sequence change affects codon 355 of the GUSB mRNA. It is a 'silent' change, meaning that it does not change the encoded amino acid sequence of the GUSB protein. This variant is present in population databases (rs758070679, ExAC 0.05%). This variant has not been reported in the literature in individuals with GUSB-related conditions. Algorithms developed to predict the effect of sequence changes on RNA splicing suggest that this variant may disrupt the consensus splice site, but this prediction has not been confirmed by published transcriptional studies. In summary, the available evidence is currently insufficient to determine the role of this variant in disease. Therefore, it has been classified as a Variant of Uncertain Significance.